The following is an entry in ClinVar:

NM_139276.3(STAT3):c.1110-3C>G

Gene: STAT3 (signal transducer and activator of transcription 3; minus strand). Cytogenetic location: 17q21.2.
Variant type: single nucleotide variant.
Coding change: c.1110-3C>G on transcript NM_139276.3 (MANE Select); 3 bases into the intron before coding-DNA position 1110, C replaced by G.
Molecular consequence: intron variant. On other transcripts: nonsense (2).
Genome position (GRCh38, 1-based): chr17:42,329,779, G>C on the plus strand (C>G on the coding strand, the complement: STAT3 is on the minus strand). VCF-style: chr17-42329779-G-C. GRCh37 (hg19) VCF-style: chr17-40481797-G-C.
Other names: c.1122C>G, p.Tyr374Ter (NM_001384986.1, NM_001384990.1); c.1014-3C>G (NM_001384989.1); c.1050-3C>G (NM_001384992.1); c.1110-3C>G (NM_001384984.1, NM_001369519.1, NM_003150.4 and 12 more transcripts); c.1032-3C>G (NM_001384985.1); short protein forms Y374*.
Identifiers: ClinVar variation 3778723 (VCV003778723.2).
Genomic context (GRCh38, chr17:42,329,779, plus strand): 5'-CAAAAGGAAGCCTCTAGGCTGAACTTACCCTCTGAGAGCTGCAACGTCCCCAGAGTCTCT[G>C]TAAGAACACAGACTGTTGTTAATAAAATAGGCTCTGTGTTTCTTCAAAAAGCCTACTTTG-3'

ClinVar aggregate classification (germline): Conflicting classifications of pathogenicity. Review status: criteria provided, conflicting classifications (1 of 4 stars). 2 submissions from 2 submitters: Likely pathogenic (1); Uncertain significance (1). Last evaluated 2025-08-20.

Conditions:
Hyper-IgE recurrent infection syndrome 1, autosomal dominant. Also called: STAT3 Hyper IgE Syndrome; Hyper-IgE recurrent infection syndrome 1; HYPER-IgE SYNDROME 1, AUTOSOMAL DOMINANT, WITH RECURRENT INFECTIONS; JOB SYNDROME; Job's Syndrome. Identifiers: Orphanet 2314, MedGen C2936739, MONDO:0007818, OMIM 147060.
STAT3 gain of function. Identifiers: MedGen C4288261.

Submissions (2):

Labcorp Genetics (formerly Invitae), Labcorp
Classification: Uncertain significance for STAT3 gain of function; Hyper-IgE recurrent infection syndrome 1, autosomal dominant. Last evaluated: 2025-08-20. Review status: criteria provided, single submitter. Criteria: Invitae Variant Classification Sherloc (09022015). Collection method: clinical testing. Allele origin: germline.
Comment: This sequence change falls in intron 11 of the STAT3 gene. It does not directly change the encoded amino acid sequence of the STAT3 protein. It affects a nucleotide within the consensus splice site. This variant is not present in population databases (gnomAD no frequency). This variant has not been reported in the literature in individuals affected with STAT3-related conditions. ClinVar contains an entry for this variant (Variation ID: 3778723). Variants that disrupt the consensus splice site are a relatively common cause of aberrant splicing (PMID: 17576681, 9536098). Algorithms developed to predict the effect of sequence changes on RNA splicing suggest that this variant may disrupt the consensus splice site. This variant disrupts the c.1110-3C nucleotide in the STAT3 gene. Other variant(s) that disrupt this nucleotide have been determined to be pathogenic (PMID: 24627079). This suggests that this nucleotide is clinically significant, and that variants that disrupt this position are likely to be disease-causing. In summary, the available evidence is currently insufficient to determine the role of this variant in disease. Therefore, it has been classified as a Variant of Uncertain Significance.

Institute of Human Genetics, University of Leipzig Medical Center
Classification: Likely pathogenic for Hyper-IgE recurrent infection syndrome 1, autosomal dominant. Last evaluated: 2025-03-05. Review status: criteria provided, single submitter. Criteria: ACMG Guidelines, 2015. Collection method: clinical testing. Allele origin: unknown. Inheritance: Autosomal dominant inheritance. Affected: yes.
Comment: Criteria applied: PS1_MOD,PM2,PS4_SUP,PP3

Literature cited by the submitters: PubMed 17576681 (cited by Labcorp Genetics (formerly Invitae), Labcorp); PubMed 9536098 (cited by Labcorp Genetics (formerly Invitae), Labcorp); PubMed 24627079 (cited by Labcorp Genetics (formerly Invitae), Labcorp).